The following is an entry in ClinVar:

ClinVar aggregate classification (germline): Conflicting classifications of pathogenicity. Review status: criteria provided, conflicting classifications (1 of 4 stars). 7 submissions from 7 submitters: Uncertain significance (2); Likely benign (4). 1 of the submissions does not count toward it. Last evaluated 2026-01-14.

Conditions:
SLC4A11-related disorder. Also called: SLC4A11-related condition.
Corneal dystrophy. Identifiers: Orphanet 34533, MedGen C0010036, MONDO:0018102, HP:0001131.
Inborn genetic diseases. Identifiers: MedGen C0950123, MeSH D030342.
Corneal dystrophy-perceptive deafness syndrome (CDPD). Also called: HARBOYAN SYNDROME; CORNEAL DYSTROPHY AND SENSORINEURAL DEAFNESS. Identifiers: Orphanet 1490, MedGen C1857572, MONDO:0009015, OMIM 217400.

Allele frequency attached by ClinVar (database versions not stated): ExAC 0.00020; ESP Exome Variant Server 0.00023; gnomAD 0.00023 and 0.00024; TOPMed 0.00023; gnomAD exomes 0.00025.
gnomAD v4.1: 591 of 1,612,784 alleles (0.037%); highest among the groups gnomAD compares: South Asian, 0.043%; 2 homozygotes.

Submissions (7):

Labcorp Genetics (formerly Invitae), Labcorp
Classification: Likely benign. Last evaluated: 2026-01-14. Review status: criteria provided, single submitter. Criteria: Invitae Variant Classification Sherloc (09022015). Collection method: clinical testing. Allele origin: germline.

PreventionGenetics, part of Exact Sciences
Classification: Uncertain significance for SLC4A11-related condition. Last evaluated: 2024-10-18. Review status: criteria provided, single submitter. Criteria: ACMG Guidelines, 2015. Collection method: clinical testing. Allele origin: germline.
Comment: The SLC4A11 c.2274G>A variant is not predicted to result in an amino acid change (p.=). This variant is NOT predicted to alter splicing based on available splicing prediction software (SpliceAI, Jaganathan et al. 2019. PubMed ID: 30661751). However, the use of computer prediction softwares is not equivalent to functional evidence. This variant was reported in an individual with Keratoconus, however significance of this variant is unclear (Table S3, Lucas et al. 2018. PubMed ID: 29924831). This variant is reported in 0.049% of alleles in individuals of South Asian descent in gnomAD. Although we suspect that this variant may be benign, at this time, the clinical significance of this variant is uncertain due to the absence of conclusive functional and genetic evidence.

Blueprint Genetics
Classification: Likely benign. Last evaluated: 2024-09-10. Review status: criteria provided, single submitter. Criteria: ACMG Guidelines, 2015. Collection method: clinical testing. Allele origin: germline.

Ambry Genetics
Classification: Likely benign for Inborn genetic diseases. Last evaluated: 2023-06-12. Review status: criteria provided, single submitter. Criteria: Ambry Variant Classification Scheme 2023. Collection method: clinical testing. Allele origin: germline.

Genome-Nilou Lab
Classification: Likely benign for Corneal dystrophy-perceptive deafness syndrome. Last evaluated: 2021-05-18. Review status: criteria provided, single submitter. Criteria: ACMG Guidelines, 2015. Collection method: clinical testing. Allele origin: germline. Affected: no.

Illumina Laboratory Services, Illumina
Classification: Uncertain significance for Corneal dystrophy. Last evaluated: 2018-01-13. Review status: criteria provided, single submitter. Criteria: ICSL Variant Classification Criteria 13 December 2019. Collection method: clinical testing. Allele origin: germline.

Natera, Inc.
Classification: Likely benign for Harboyan syndrome. Last evaluated: 2020-01-12. Review status: no assertion criteria provided. Collection method: clinical testing. Allele origin: germline. Not counted in ClinVar's aggregate classification.

NM_001174089.2(SLC4A11):c.2226G>A (p.Ser742=)

Gene: SLC4A11 (solute carrier family 4 member 11; minus strand). Cytogenetic location: 20p13.
Variant type: single nucleotide variant.
Coding change: c.2226G>A on transcript NM_001174089.2 (MANE Select); coding-DNA position 2226, G replaced by A.
Protein change: p.Ser742=; no amino-acid change (serine 742 retained).
Molecular consequence: synonymous variant. On other transcripts: non-coding transcript variant (1).
Genome position (GRCh38, 1-based): chr20:3,228,674, C>T on the plus strand (G>A on the coding strand, the complement: SLC4A11 is on the minus strand). VCF-style: chr20-3228674-C-T. GRCh37 (hg19) VCF-style: chr20-3209320-C-T.
Other names: c.2355G>A, p.Ser785= (NM_001174090.2); c.2112G>A, p.Ser704= (NM_001363745.2); c.2274G>A, p.Ser758= (NM_032034.4).
Identifiers: ClinVar variation 338237 (VCV000338237.22), dbSNP rs200879869, ClinGen allele CA9741522.